The following is an entry in ClinVar:

NM_001009999.3(KDM1A):c.197C>G (p.Pro66Arg)

Gene: KDM1A (lysine demethylase 1A; plus strand). Cytogenetic location: 1p36.12.
Variant type: single nucleotide variant.
Coding change: c.197C>G on transcript NM_001009999.3 (MANE Select); coding-DNA position 197, C replaced by G.
Protein change: p.Pro66Arg; replaces proline 66 with arginine.
Molecular consequence: missense variant.
Genome position (GRCh38, 1-based): chr1:23,019,793, C>G. VCF-style: chr1-23019793-C-G. GRCh37 (hg19) VCF-style: chr1-23346286-C-G.
Other names: c.197C>G, p.Pro66Arg (NM_001363654.2, NM_001410762.1, NM_001410763.1 and 1 more transcripts); short protein forms P66R.
Identifiers: ClinVar variation 5023082 (VCV005023082.1).
Genomic context (GRCh38, chr1:23,019,793, plus strand): 5'-GCCCAGCCGAGGTCGGGCCGGGGGCGGTGGGGGAGCGCACACCCCGCAAGAAAGAGCCTC[C>G]GCGGGCCTCGCCCCCCGGGGGCCTGGCGGAACCGCCGGGGTCCGCAGGGCCTCAGGCCGG-3'
Protein context (NP_001009999.1, residues 56-76): GERTPRKKEP[Pro66Arg]RASPPGGLAE

ClinVar aggregate classification (germline): Uncertain significance (1 of 4 stars; one submission).

Conditions:
Inborn genetic diseases. Identifiers: MedGen C0950123, MeSH D030342.

Submission:

Ambry Genetics
Classification: Uncertain significance for Inborn genetic diseases. Last evaluated: 2026-08-01. Review status: criteria provided, single submitter. Criteria: Ambry Variant Classification Scheme 2023. Collection method: clinical testing. Allele origin: germline.
Comment: The p.P66R variant (also known as c.197C>G), located in coding exon 1 of the KDM1A gene, results from a C to G substitution at nucleotide position 197. The proline at codon 66 is replaced by arginine, an amino acid with dissimilar properties. This amino acid position is conserved. In addition, this alteration is predicted to be tolerated by in silico analysis. Based on the available evidence, the clinical significance of this variant remains unclear.